The following is an entry in ClinVar:

ClinVar aggregate classification (germline): Uncertain significance (1 of 4 stars; one submission).

Conditions:
Renal cell carcinoma. Identifiers: Orphanet 217071, MedGen C0007134, MeSH D002292, MONDO:0005086, HP:0005584.

Submission:

Labcorp Genetics (formerly Invitae), Labcorp
Classification: Uncertain significance for Renal cell carcinoma. Last evaluated: 2020-05-04. Review status: criteria provided, single submitter. Criteria: Invitae Variant Classification Sherloc (09022015). Collection method: clinical testing. Allele origin: germline.
Comment: In summary, the available evidence is currently insufficient to determine the role of this variant in disease. Therefore, it has been classified as a Variant of Uncertain Significance. The current clinical and genetic evidence is not sufficient to establish whether loss-of-function variants in MET cause disease. Algorithms developed to predict the effect of sequence changes on RNA splicing suggest that this variant may disrupt the consensus splice site, but this prediction has not been confirmed by published transcriptional studies. This variant has not been reported in the literature in individuals with MET-related conditions. This variant is not present in population databases (ExAC no frequency). This sequence change affects a donor splice site in intron 19 of the MET gene. It is expected to disrupt RNA splicing and likely results in an absent or disrupted protein product.

NM_000245.4(MET):c.3798+1G>A

Gene: MET (MET proto-oncogene, receptor tyrosine kinase; plus strand). Cytogenetic location: 7q31.2.
Variant type: single nucleotide variant.
Coding change: c.3798+1G>A on transcript NM_000245.4 (MANE Select); the canonical splice donor site of the intron after coding-DNA position 3798, G replaced by A.
Molecular consequence: splice donor variant.
Genome position (GRCh38, 1-based): chr7:116,783,470, G>A. VCF-style: chr7-116783470-G-A. GRCh37 (hg19) VCF-style: chr7-116423524-G-A.
Other names: c.3852+1G>A (NM_001127500.3); c.2508+1G>A (NM_001324402.2).
Identifiers: ClinVar variation 1039379 (VCV001039379.7), dbSNP rs1795214615, ClinGen allele CA368992070.